The following is an entry in ClinVar:

ClinVar aggregate classification (germline): Benign/Likely benign. Review status: criteria provided, multiple submitters, no conflicts (2 of 4 stars). 3 submissions from 3 submitters: Benign (1); Likely benign (2). Last evaluated 2026-07-02.

Conditions:
Sessile serrated polyposis cancer syndrome (SSPCS). Identifiers: Orphanet 157798, MedGen C4310714, MONDO:0014919, OMIM 617108.

Allele frequency attached by ClinVar (database versions not stated): gnomAD exomes below 0.00001.
gnomAD v4.1: 1 of 1,612,794 alleles (0.000062%); highest among the groups gnomAD compares: Admixed American, 0.0017%; no homozygotes.

Submissions (3):

Myriad Genetics, Inc.
Classification: Benign for Sessile serrated polyposis cancer syndrome. Last evaluated: 2026-07-02. Review status: criteria provided, single submitter. Criteria: Myriad Autosomal Dominant, Autosomal Recessive and X-Linked Classification Criteria (2023). Collection method: clinical testing. Allele origin: unknown.
Comment: This variant is considered benign. This variant is a silent/synonymous amino acid change and it is not expected to impact splicing.

Ambry Genetics
Classification: Likely benign. Last evaluated: 2025-06-22. Review status: criteria provided, single submitter. Criteria: Ambry Variant Classification Scheme 2023. Collection method: clinical testing. Allele origin: germline.

Labcorp Genetics (formerly Invitae), Labcorp
Classification: Likely benign. Last evaluated: 2023-10-25. Review status: criteria provided, single submitter. Criteria: Invitae Variant Classification Sherloc (09022015). Collection method: clinical testing. Allele origin: germline.

NM_017763.6(RNF43):c.1626C>G (p.Thr542=)

Gene: RNF43 (ring finger protein 43; minus strand). Cytogenetic location: 17q22.
Variant type: single nucleotide variant.
Coding change: c.1626C>G on transcript NM_017763.6 (MANE Select); coding-DNA position 1626, C replaced by G.
Protein change: p.Thr542=; no amino-acid change (threonine 542 retained).
Molecular consequence: synonymous variant.
Genome position (GRCh38, 1-based): chr17:58,358,150, G>C on the plus strand (C>G on the coding strand, the complement: RNF43 is on the minus strand). VCF-style: chr17-58358150-G-C. GRCh37 (hg19) VCF-style: chr17-56435511-G-C.
Other names: c.1626C>G, p.Thr542= (NM_001305544.3); c.1245C>G, p.Thr415= (NM_001305545.2); c.1626C>G (NM_017763.4).
Identifiers: ClinVar variation 2895975 (VCV002895975.5), dbSNP rs1327499684, ClinGen allele CA501325222.